The following is an entry in ClinVar:

NM_001257180.2(SLC20A2):c.425A>G (p.Lys142Arg)

Gene: SLC20A2 (solute carrier family 20 member 2; minus strand). Cytogenetic location: 8p11.21.
Variant type: single nucleotide variant.
Coding change: c.425A>G on transcript NM_001257180.2 (MANE Select); coding-DNA position 425, A replaced by G.
Protein change: p.Lys142Arg; replaces lysine 142 with arginine.
Molecular consequence: missense variant.
Genome position (GRCh38, 1-based): chr8:42,465,782, T>C on the plus strand (A>G on the coding strand, the complement: SLC20A2 is on the minus strand). VCF-style: chr8-42465782-T-C. GRCh37 (hg19) VCF-style: chr8-42323300-T-C.
Other names: c.425A>G, p.Lys142Arg (NM_001257181.2, NM_006749.5); short protein forms K142R.
Identifiers: ClinVar variation 4822922 (VCV004822922.4).
Genomic context (GRCh38, chr8:42,465,782, plus strand): 5'-TTACTCTAGAAAATGTAAACTTTCCTTCTTATGGGTAAAAGAAAATGCCAATTACCAATC[T>C]TGACAAGCTCCATCCACTGCACACCTTTGGTACCGATTGCGACCAGTGAGAATCCTATAG-3'
Protein context (NP_001244109.1, residues 132-152): TKGVQWMELV[Lys142Arg]IVASWFISPL

ClinVar aggregate classification (germline): Uncertain significance (1 of 4 stars; one submission).

gnomAD v4.1: 1 of 1,592,314 alleles (0.000063%); highest among the groups gnomAD compares: South Asian, 0.0012%; no homozygotes.

Submission:

CeGaT Center for Human Genetics Tuebingen
Classification: Uncertain significance. Last evaluated: 2026-01-01. Review status: criteria provided, single submitter. Criteria: CeGaT Center For Human Genetics Tuebingen Variant Classification Criteria Version 2. Collection method: clinical testing. Allele origin: germline. Affected: yes. Observed: 1 variant allele.
Comment: SLC20A2: PM2